The following is an entry in ClinVar:

NM_024513.4(FYCO1):c.396T>C (p.Ser132=)

Gene: FYCO1 (FYVE and coiled-coil domain autophagy adaptor 1; minus strand). Cytogenetic location: 3p21.31.
Variant type: single nucleotide variant.
Coding change: c.396T>C on transcript NM_024513.4 (MANE Select); coding-DNA position 396, T replaced by C.
Protein change: p.Ser132=; no amino-acid change (serine 132 retained).
Molecular consequence: synonymous variant. On other transcripts: non-coding transcript variant (1), intron variant (2).
Genome position (GRCh38, 1-based): chr3:45,973,231, A>G on the plus strand (T>C on the coding strand, the complement: FYCO1 is on the minus strand). VCF-style: chr3-45973231-A-G. GRCh37 (hg19) VCF-style: chr3-46014723-A-G.
Other names: c.396T>C (NM_024513.2); c.396T>C, p.Ser132= (NM_001386421.1, NM_001386422.1, NM_001386423.1 and 4 more transcripts); c.276T>C, p.Ser92= (NM_001386426.1); c.-61-3466T>C (NM_001386430.1); c.395+2008T>C (NM_001386427.1).
Identifiers: ClinVar variation 2712335 (VCV002712335.4), dbSNP rs748196083, ClinGen allele CA2353474.
Genomic context (GRCh38, chr3:45,973,231, plus strand): 5'-GCCCACAATGTCCGAGCTCAGCTTTGGCTGCAGAAAGGGGCTTCTTGCATAGTACCAGTC[A>G]CTGCAGAAAAACATGTCAATTATAAGAGTAATAAAGATAAAGTATGAATTTACTCAGTCC-3'
Protein context (NP_078789.2, residues 122-142): QQCFMNTKVT[Ser132=]DWYYARSPFL

ClinVar aggregate classification (germline): Conflicting classifications of pathogenicity. Review status: criteria provided, conflicting classifications (1 of 4 stars). 2 submissions from 2 submitters: Uncertain significance (1); Likely benign (1). Last evaluated 2026-02-24.

Conditions:
Cataract 18 (CATC2). Also called: CATARACT 18, AUTOSOMAL RECESSIVE. Identifiers: Orphanet 91492, Orphanet 98991, Orphanet 98992, Orphanet 98995, MedGen C1864908, MONDO:0012395, OMIM 610019.
Inborn genetic diseases. Identifiers: MedGen C0950123, MeSH D030342.

Allele frequency attached by ClinVar (database versions not stated): gnomAD 0.00001; ExAC 0.00002; TOPMed 0.00002.
gnomAD v4.1: 10 of 1,613,876 alleles (0.00062%); highest among the groups gnomAD compares: Admixed American, 0.017%; no homozygotes.

Submissions (2):

Ambry Genetics
Classification: Likely benign for Inborn genetic diseases. Last evaluated: 2026-02-24. Review status: criteria provided, single submitter. Criteria: Ambry Variant Classification Scheme 2023. Collection method: clinical testing. Allele origin: germline.

Labcorp Genetics (formerly Invitae), Labcorp
Classification: Uncertain significance for Cataract 18. Last evaluated: 2023-12-13. Review status: criteria provided, single submitter. Criteria: Invitae Variant Classification Sherloc (09022015). Collection method: clinical testing. Allele origin: germline.
Comment: This sequence change affects codon 132 of the FYCO1 mRNA. It is a 'silent' change, meaning that it does not change the encoded amino acid sequence of the FYCO1 protein. It affects a nucleotide within the consensus splice site. This variant is present in population databases (rs748196083, gnomAD 0.02%). This variant has not been reported in the literature in individuals affected with FYCO1-related conditions. Algorithms developed to predict the effect of sequence changes on RNA splicing suggest that this variant is not likely to affect RNA splicing. In summary, the available evidence is currently insufficient to determine the role of this variant in disease. Therefore, it has been classified as a Variant of Uncertain Significance.